The following is an entry in ClinVar:

NM_001567.4(INPPL1):c.1049G>C (p.Arg350Pro)

Gene: INPPL1 (inositol polyphosphate phosphatase like 1; plus strand). Cytogenetic location: 11q13.4.
Variant type: single nucleotide variant.
Coding change: c.1049G>C on transcript NM_001567.4 (MANE Select); coding-DNA position 1049, G replaced by C.
Protein change: p.Arg350Pro; replaces arginine 350 with proline.
Molecular consequence: missense variant.
Genome position (GRCh38, 1-based): chr11:72,230,230, G>C. VCF-style: chr11-72230230-G-C. GRCh37 (hg19) VCF-style: chr11-71941274-G-C.
Other names: short protein forms R350P.
Identifiers: ClinVar variation 3764425 (VCV003764425.1).
Genomic context (GRCh38, chr11:72,230,230, plus strand): 5'-AGAAGTTCACGCTGAGCGTGGATGTGGAGGGTGGGCGGCTGGTGCTGCTGCGGAGACAGC[G>C]GGACTCCCAGGAGGACTGGACCACCTTCACGCACGACCGCAGTGAGCCAGGGCCAGACCT-3'
Protein context (NP_001558.3, residues 340-360): GGRLVLLRRQ[Arg350Pro]DSQEDWTTFT

ClinVar aggregate classification (germline): Uncertain significance (1 of 4 stars; one submission).

Submission:

GeneDx
Classification: Uncertain significance. Last evaluated: 2024-08-21. Review status: criteria provided, single submitter. Criteria: GeneDx Variant Classification Process June 2021. Collection method: clinical testing. Allele origin: germline. Affected: yes.
Comment: Not observed at significant frequency in large population cohorts (gnomAD); In silico analysis supports that this missense variant has a deleterious effect on protein structure/function; Has not been previously published as pathogenic or benign to our knowledge